The following is an entry in ClinVar:

ClinVar aggregate classification (germline): Conflicting classifications of pathogenicity. Review status: criteria provided, conflicting classifications (1 of 4 stars). 5 submissions from 5 submitters: Uncertain significance (4); Likely benign (1). Last evaluated 2025-12-16.

Conditions:
Isolated focal cortical dysplasia type II (FCORD2). Also called: Focal cortical dysplasia type II; CORTICAL DYSPLASIA OF TAYLOR. Identifiers: Orphanet 268994, MedGen C1846385, MONDO:0011818, OMIM 607341, HP:0032051.
Hereditary cancer-predisposing syndrome. Also called: Neoplastic Syndromes, Hereditary; Tumor predisposition; Hereditary Cancer Syndrome; Hereditary neoplastic syndrome. Identifiers: Orphanet 140162, MedGen C0027672, MeSH D009386, MONDO:0015356.
Tuberous sclerosis 2 (TSC2). Identifiers: Orphanet 805, MedGen C1860707, MONDO:0013199, OMIM 613254.

Allele frequency attached by ClinVar (database versions not stated): gnomAD exomes 0.00001; TOPMed 0.00001.
gnomAD v4.1: 8 of 1,612,920 alleles (0.0005%); highest among the groups gnomAD compares: Non-Finnish European, 0.00068%; no homozygotes.

Submissions (5):

Labcorp Genetics (formerly Invitae), Labcorp
Classification: Likely benign for Tuberous sclerosis 2. Last evaluated: 2025-12-16. Review status: criteria provided, single submitter. Criteria: Invitae Variant Classification Sherloc (09022015). Collection method: clinical testing. Allele origin: germline.

Mayo Clinic Laboratories, Mayo Clinic
Classification: Uncertain significance. Last evaluated: 2025-02-20. Review status: criteria provided, single submitter. Criteria: ACMG Guidelines, 2015. Collection method: clinical testing. Allele origin: germline. Observed: 1 variant allele.
Comment: PP3, PM2_supporting

Ambry Genetics
Classification: Uncertain significance for Hereditary cancer-predisposing syndrome. Last evaluated: 2024-10-22. Review status: criteria provided, single submitter. Criteria: Ambry Variant Classification Scheme 2023. Collection method: clinical testing. Allele origin: germline.
Comment: The p.P1215L variant (also known as c.3644C>T), located in coding exon 30 of the TSC2 gene, results from a C to T substitution at nucleotide position 3644. The proline at codon 1215 is replaced by leucine, an amino acid with similar properties. This amino acid position is highly conserved in available vertebrate species. In addition, this alteration is predicted to be deleterious by in silico analysis. Since supporting evidence is limited at this time, the clinical significance of this alteration remains unclear.

Blueprint Genetics
Classification: Uncertain significance. Last evaluated: 2024-07-18. Review status: criteria provided, single submitter. Criteria: ACMG Guidelines, 2015. Collection method: clinical testing. Allele origin: germline.

Baylor Genetics
Classification: Uncertain significance for Isolated focal cortical dysplasia type II. Last evaluated: 2023-08-13. Review status: criteria provided, single submitter. Criteria: ACMG Guidelines, 2015. Collection method: clinical testing. Allele origin: unknown.

NM_000548.5(TSC2):c.3644C>T (p.Pro1215Leu)

Gene: TSC2 (TSC complex subunit 2; plus strand). Cytogenetic location: 16p13.3.
Variant type: single nucleotide variant.
Coding change: c.3644C>T on transcript NM_000548.5 (MANE Select); coding-DNA position 3644, C replaced by T.
Protein change: p.Pro1215Leu; replaces proline 1215 with leucine.
Molecular consequence: missense variant.
Genome position (GRCh38, 1-based): chr16:2,081,628, C>T. VCF-style: chr16-2081628-C-T. GRCh37 (hg19) VCF-style: chr16-2131629-C-T.
Other names: p.Pro1215Leu; c.3512C>T, p.Pro1171Leu (NM_001077183.3, NM_001370404.1); c.3644C>T, p.Pro1215Leu (NM_001114382.3); c.3404C>T, p.Pro1135Leu (NM_001318827.2); c.3368C>T, p.Pro1123Leu (NM_001318829.2); c.2912C>T, p.Pro971Leu (NM_001318831.2); c.3545C>T, p.Pro1182Leu (NM_001318832.2); c.3515C>T, p.Pro1172Leu (NM_001363528.2, NM_001370405.1, NM_021055.3); short protein forms P1215L, P1123L, P1172L, P971L, P1135L, P1171L, P1182L.
Identifiers: ClinVar variation 535872 (VCV000535872.18), dbSNP rs933257311, ClinGen allele CA276749978.